The following is an entry in ClinVar:

ClinVar aggregate classification (germline): Uncertain significance (1 of 4 stars; one submission).

gnomAD v4.1: 4 of 1,611,074 alleles (0.00025%); highest among the groups gnomAD compares: Non-Finnish European, 0.00034%; no homozygotes.

Submission:

GeneDx
Classification: Uncertain significance. Last evaluated: 2025-05-30. Review status: criteria provided, single submitter. Criteria: GeneDx Variant Classification Process June 2021. Collection method: clinical testing. Allele origin: germline. Affected: yes.
Comment: Not observed at significant frequency in large population cohorts (gnomAD); In silico analysis suggests that this missense variant does not alter protein structure/function; In silico analysis suggests this variant may impact gene splicing. In the absence of RNA/functional studies, the actual effect of this sequence change is unknown.; Has not been previously published as pathogenic or benign to our knowledge

NM_003922.4(HERC1):c.8225G>A (p.Ser2742Asn)

Gene: HERC1 (HECT and RLD domain containing E3 ubiquitin protein ligase family member 1; minus strand). Cytogenetic location: 15q22.31.
Variant type: single nucleotide variant.
Coding change: c.8225G>A on transcript NM_003922.4 (MANE Select); coding-DNA position 8225, G replaced by A.
Protein change: p.Ser2742Asn; replaces serine 2742 with asparagine.
Molecular consequence: missense variant.
Genome position (GRCh38, 1-based): chr15:63,666,454, C>T on the plus strand (G>A on the coding strand, the complement: HERC1 is on the minus strand). VCF-style: chr15-63666454-C-T. GRCh37 (hg19) VCF-style: chr15-63958653-C-T.
Other names: short protein forms S2742N.
Identifiers: ClinVar variation 4532648 (VCV004532648.1).